The following is an entry in ClinVar:

NM_014846.4(WASHC5):c.2086G>A (p.Gly696Ser)

Gene: WASHC5 (WASH complex subunit 5; minus strand). Cytogenetic location: 8q24.13.
Variant type: single nucleotide variant.
Coding change: c.2086G>A on transcript NM_014846.4 (MANE Select); coding-DNA position 2086, G replaced by A.
Protein change: p.Gly696Ser; replaces glycine 696 with serine.
Molecular consequence: missense variant.
Genome position (GRCh38, 1-based): chr8:125,055,602, C>T on the plus strand (G>A on the coding strand, the complement: WASHC5 is on the minus strand). VCF-style: chr8-125055602-C-T. GRCh37 (hg19) VCF-style: chr8-126067844-C-T.
Other names: c.1642G>A, p.Gly548Ser (NM_001330609.2); short protein forms G696S, G548S.
Identifiers: ClinVar variation 410079 (VCV000410079.55), dbSNP rs1060502725, ClinGen allele CA16612351.

ClinVar aggregate classification (germline): Pathogenic/Likely pathogenic. Review status: criteria provided, multiple submitters, no conflicts (2 of 4 stars). 4 submissions from 4 submitters: Pathogenic (2); Likely pathogenic (2). Last evaluated 2025-02-12.

Conditions:
Hereditary spastic paraplegia 8 (SPG8). Also called: SPASTIC PARAPLEGIA 8, AUTOSOMAL DOMINANT. Identifiers: Orphanet 100989, MedGen C1863704, MONDO:0011339, OMIM 603563.
Ritscher-Schinzel syndrome. Also called: CRANIOCEREBELLOCARDIAC DYSPLASIA. Identifiers: Orphanet 7, MedGen C0796137, MONDO:0019078.

Submissions (4):

Labcorp Genetics (formerly Invitae), Labcorp
Classification: Likely pathogenic for Ritscher-Schinzel syndrome; Hereditary spastic paraplegia 8. Last evaluated: 2025-02-12. Review status: criteria provided, single submitter. Criteria: Invitae Variant Classification Sherloc (09022015). Collection method: clinical testing. Allele origin: germline.
Comment: This sequence change replaces glycine, which is neutral and non-polar, with serine, which is neutral and polar, at codon 696 of the WASHC5 protein (p.Gly696Ser). This variant is not present in population databases (gnomAD no frequency). This missense change has been observed in individuals with hereditary spastic paraplegia (PMID: 34983064; internal data). ClinVar contains an entry for this variant (Variation ID: 410079). Invitae Evidence Modeling of protein sequence and biophysical properties (such as structural, functional, and spatial information, amino acid conservation, physicochemical variation, residue mobility, and thermodynamic stability) indicates that this missense variant is expected to disrupt WASHC5 protein function with a positive predictive value of 80%. This variant disrupts the p.Gly696 amino acid residue in WASHC5. Other variant(s) that disrupt this residue have been observed in individuals with WASHC5-related conditions (PMID: 23455931; internal data), which suggests that this may be a clinically significant amino acid residue. In summary, the currently available evidence indicates that the variant is pathogenic, but additional data are needed to prove that conclusively. Therefore, this variant has been classified as Likely Pathogenic.

GeneDx
Classification: Likely pathogenic. Last evaluated: 2024-10-30. Review status: criteria provided, single submitter. Criteria: GeneDx Variant Classification Process June 2021. Collection method: clinical testing. Allele origin: germline. Affected: yes.
Comment: Reported previously as pathogenic in patients with suspected spastic hereditary paraplegia; however, no specific clinical or segregation information was provided (PMID: 34983064); Not observed at significant frequency in large population cohorts (gnomAD); In silico analysis supports that this missense variant has a deleterious effect on protein structure/function; This variant is associated with the following publications: (PMID: 34983064, 34715294)

3billion
Classification: Pathogenic for Hereditary spastic paraplegia 8. Last evaluated: 2024-06-16. Review status: criteria provided, single submitter. Criteria: ACMG Guidelines, 2015. Collection method: clinical testing. Allele origin: germline. Affected: yes.
Comment: The variant is not observed in the gnomAD v4.0.0 dataset. Predicted Consequence/Location: Missense variant In silico tool predictions suggest damaging effect of the variant on gene or gene product [REVEL: 0.94 (>=0.6, sensitivity 0.68 and specificity 0.92); 3Cnet: 0.43 (>=0.6, sensitivity 0.72 and precision 0.9)]. The same nucleotide change resulting in the same amino acid change has been previously reported as pathogenic/likely pathogenic with strong evidence (ClinVar ID: VCV000410079 /PMID: 34983064). The variant has been observed in multiple (>3) similarly affected unrelated individuals (PMID: 34983064). A different missense change at the same codon (p.Gly696Ala, p.Gly696Asp) has been reported as pathogenic/likely pathogenic with strong evidence (ClinVar ID: VCV000065713, VCV000578334 /PMID: 23455931, 34983064). Therefore, this variant is classified as Pathogenic according to the recommendation of ACMG/AMP guideline.

Paris Brain Institute, Inserm - ICM
Classification: Pathogenic for Hereditary spastic paraplegia 8. Review status: criteria provided, single submitter. Criteria: ACMG Guidelines, 2015. Collection method: clinical testing. Allele origin: unknown. Affected: yes. Observed: 3 variant alleles.

Literature cited by the submitters: PubMed 34983064 (cited by Labcorp Genetics (formerly Invitae), Labcorp and 3billion); PubMed 23455931 (cited by Labcorp Genetics (formerly Invitae), Labcorp and 3billion).